The following is an entry in ClinVar:

NM_001364905.1(LRBA):c.1161+6T>G

Gene: LRBA (LPS responsive beige-like anchor protein; minus strand). Cytogenetic location: 4q31.3.
Variant type: single nucleotide variant.
Coding change: c.1161+6T>G on transcript NM_001364905.1 (MANE Select); 6 bases into the intron after coding-DNA position 1161, T replaced by G.
Molecular consequence: intron variant.
Genome position (GRCh38, 1-based): chr4:150,914,189, A>C on the plus strand (T>G on the coding strand, the complement: LRBA is on the minus strand). VCF-style: chr4-150914189-A-C. GRCh37 (hg19) VCF-style: chr4-151835341-A-C.
Other names: c.1161+6T>G (NM_001367550.1, NM_006726.5, NM_001199282.3 and 2 more transcripts).
Identifiers: ClinVar variation 1908447 (VCV001908447.3), dbSNP rs1732317060, ClinGen allele CA1503609419.

ClinVar aggregate classification (germline): Uncertain significance (1 of 4 stars; one submission).

Conditions:
Combined immunodeficiency due to LRBA deficiency. Also called: Common variable immunodeficiency 8, with autoimmunity. Identifiers: Orphanet 445018, MedGen C3553512, MONDO:0013863, OMIM 614700.

Submission:

Labcorp Genetics (formerly Invitae), Labcorp
Classification: Uncertain significance for Combined immunodeficiency due to LRBA deficiency. Last evaluated: 2022-04-26. Review status: criteria provided, single submitter. Criteria: Invitae Variant Classification Sherloc (09022015). Collection method: clinical testing. Allele origin: germline.
Comment: This sequence change falls in intron 9 of the LRBA gene. It does not directly change the encoded amino acid sequence of the LRBA protein. It affects a nucleotide within the consensus splice site. This variant is not present in population databases (gnomAD no frequency). This variant has not been reported in the literature in individuals affected with LRBA-related conditions. In summary, the available evidence is currently insufficient to determine the role of this variant in disease. Therefore, it has been classified as a Variant of Uncertain Significance. Variants that disrupt the consensus splice site are a relatively common cause of aberrant splicing (PMID: 17576681, 9536098). Algorithms developed to predict the effect of sequence changes on RNA splicing suggest that this variant is not likely to affect RNA splicing.

Literature cited by the submitters: PubMed 17576681; PubMed 9536098.